The following is an entry in ClinVar:

ClinVar aggregate classification (germline): Benign/Likely benign. Review status: criteria provided, multiple submitters, no conflicts (2 of 4 stars). 9 submissions from 9 submitters: Benign (6); Likely benign (1). 2 of the submissions do not count toward it. Last evaluated 2026-05-08.

Conditions:
Thyroid dyshormonogenesis 6 (TDH6). Also called: HYPOTHYROIDISM, CONGENITAL, DUE TO DYSHORMONOGENESIS, 6; Genetic transient congenital hypothyroidism; THYROID HORMONOGENESIS, GENETIC DEFECT IN, 6. Identifiers: Orphanet 226316, Orphanet 95716, MedGen C1846632, MONDO:0011792, OMIM 607200.

Allele frequency attached by ClinVar (database versions not stated): 1000 Genomes Project 30x 0.99032; 1000 Genomes Project 0.99141; ESP Exome Variant Server 0.99161; TOPMed 0.99204; gnomAD 0.99253 and 0.99301; ExAC 0.99770; gnomAD exomes 0.99822.
gnomAD v4.1: 1,610,507 of 1,612,502 alleles (100%); highest among the groups gnomAD compares: East Asian, 100%; 804,285 homozygotes.

Submissions (10):

Women's Health and Genetics/Laboratory Corporation of America, LabCorp
Classification: Benign. Last evaluated: 2026-05-08. Review status: criteria provided, single submitter. Criteria: LabCorp Variant Classification Summary - May 2015. Collection method: clinical testing. Allele origin: germline.

Labcorp Genetics (formerly Invitae), Labcorp
Classification: Benign. Last evaluated: 2026-02-04. Review status: criteria provided, single submitter. Criteria: Invitae Variant Classification Sherloc (09022015). Collection method: clinical testing. Allele origin: germline.

Blueprint Genetics
Classification: Likely benign. Last evaluated: 2024-11-27. Review status: criteria provided, single submitter. Criteria: ACMG Guidelines, 2015. Collection method: clinical testing. Allele origin: germline.

Illumina Laboratory Services, Illumina
Classification: Benign for Thyroid dyshormonogenesis 6. Last evaluated: 2018-01-12. Review status: criteria provided, single submitter. Criteria: ICSL Variant Classification Criteria 13 December 2019. Collection method: clinical testing. Allele origin: germline.
Comment: This variant was observed in the ICSL laboratory as part of a predisposition screen in an ostensibly healthy population. It had not been previously curated by ICSL or reported in the Human Gene Mutation Database (HGMD: prior to June 1st, 2018), and was therefore a candidate for classification through an automated scoring system. Utilizing variant allele frequency, disease prevalence and penetrance estimates, and inheritance mode, an automated score was calculated to assess if this variant is too frequent to cause the disease. Based on the score and internal cut-off values, a variant classified as benign is not then subjected to further curation. The score for this variant resulted in a classification of benign for this disease.

Clinical Genetics DNA and cytogenetics Diagnostics Lab, Erasmus MC, Erasmus Medical Center
Classification: Benign for Thyroid dyshormonogenesis 6. Last evaluated: 2015-09-21. Review status: criteria provided, single submitter. Criteria: ACGS Guidelines, 2013. Collection method: clinical testing. Allele origin: germline. Affected: yes. Study: VKGL Data-share Consensus.

Breakthrough Genomics
Classification: Benign. Review status: criteria provided, single submitter. Criteria: ACMG Guidelines, 2015. Collection method: not provided. Allele origin: germline. Inheritance: Autosomal recessive inheritance. Affected: yes.

PreventionGenetics, part of Exact Sciences
Classification: Benign. Review status: criteria provided, single submitter. Criteria: ACMG Guidelines, 2015. Collection method: clinical testing. Allele origin: germline.

Clinical Genetics, Academic Medical Center
Classification: Benign. Review status: no assertion criteria provided. Collection method: clinical testing. Allele origin: germline. Affected: yes. Study: VKGL Data-share Consensus. Not counted in ClinVar's aggregate classification.

Diagnostic Laboratory, Department of Genetics, University Medical Center Groningen
Classification: Benign for Thyroid dyshormonogenesis 6. Review status: no assertion criteria provided. Collection method: clinical testing. Allele origin: germline. Affected: yes. Study: VKGL Data-share Consensus. Not counted in ClinVar's aggregate classification.

Dr. Peter K. Rogan Lab, Western University
No classification provided (evidence only). Condition: Familial cancer of breast. Review status: no classification provided. Collection method: in vitro. Allele origin: not applicable. Functional consequence: retained intron. Not counted in ClinVar's aggregate classification.

NM_001363711.2(DUOX2):c.3515+15T>A

Gene: DUOX2 (dual oxidase 2; minus strand). Cytogenetic location: 15q21.1.
Variant type: single nucleotide variant.
Coding change: c.3515+15T>A on transcript NM_001363711.2 (MANE Select); 15 bases into the intron after coding-DNA position 3515, T replaced by A.
Molecular consequence: intron variant.
Genome position (GRCh38, 1-based): chr15:45,099,368, A>T on the plus strand (T>A on the coding strand, the complement: DUOX2 is on the minus strand). VCF-style: chr15-45099368-A-T. GRCh37 (hg19) VCF-style: chr15-45391566-A-T.
Other names: c.3515+15T>A (NM_014080.5).
Identifiers: ClinVar variation 260324 (VCV000260324.23), dbSNP rs269869, ClinGen allele CA7537851.
Genomic context (GRCh38, chr15:45,099,368, plus strand): 5'-CCTGCCTATTTCTTTTTCTATTATACCCTTGGGCCCACCCTATGAGTCCCAGGAGAAACC[A>T]TCCCCAGAACTGACCCATCATTCACAAAGACGTTGGGGAATATGCAGGCCAGCAGGCTGA-3'